The following is an entry in ClinVar:

ClinVar aggregate classification (germline): Uncertain significance (1 of 4 stars; one submission).

Submission:

GeneDx
Classification: Uncertain significance. Last evaluated: 2026-03-26. Review status: criteria provided, single submitter. Criteria: GeneDx Variant Classification Process June 2021. Collection method: clinical testing. Allele origin: germline.
Comment: Reported as -1665G>C and seen with an additional VWF variant in a proband with features of von Willebrand factor deficiency, type 1 in the published literature (PMID: 17190853); Located in a regulatory region; in the absence of functional studies, the actual effect of this sequence change is unknown; This variant is associated with the following publications: (PMID: 17190853)

NC_000012.12:g.6124861C>G

Gene: VWF (von Willebrand factor; minus strand). Cytogenetic location: 12p13.31.
Variant type: single nucleotide variant.
Genome position: GRCh38 VCF-style: chr12-6124861-C-G. GRCh37 (hg19) VCF-style: chr12-6234027-C-G.
Identifiers: ClinVar variation 5018435 (VCV005018435.1).